The following is an entry in ClinVar:

NM_032043.3(BRIP1):c.2398_2400delinsATTTG

Gene: BRIP1 (BRCA1 interacting DNA helicase 1; minus strand). Cytogenetic location: 17q23.2.
Variant type: Indel.
Coding change: c.2398_2400delinsATTTG on transcript NM_032043.3 (MANE Select); coding-DNA positions 2398 to 2400, TAC replaced by ATTTG.
Genome position (GRCh38, 1-based): chr17:61,716,043-61,716,045, GTA replaced by CAAAT on the plus strand (TAC replaced by ATTTG on the coding strand, the reverse complement: BRIP1 is on the minus strand). VCF-style: chr17-61716043-GTA-CAAAT. GRCh37 (hg19) VCF-style: chr17-59793404-GTA-CAAAT.
Other names: c.2398_2400delinsATTTG, p.Tyr800fs (LRG_300t1); c.2398_2400delTACinsATTTG (NM_032043.2).
Identifiers: ClinVar variation 461042 (VCV000461042.10), dbSNP rs1555580957, ClinGen allele CA658658659.
Genomic context (GRCh38, chr17:61,716,043, plus strand): 5'-TTGAATTTCATACCACTGACGGCCAGGTAGAAGACCTCTCAATTTTGAATGGTGGTCATT[GTA>CAAAT]TTGTCGTTTTAGTTCAACCTAATAATTTTAAAATATATTTAAAAAATTAGTAGATAATTA-3'

ClinVar aggregate classification (germline): Pathogenic/Likely pathogenic. Review status: criteria provided, multiple submitters, no conflicts (2 of 4 stars). 4 submissions from 4 submitters: Pathogenic (3); Likely pathogenic (1). Last evaluated 2025-12-02.

Conditions:
Hereditary cancer-predisposing syndrome. Also called: Hereditary neoplastic syndrome; Neoplastic Syndromes, Hereditary; Tumor predisposition; Hereditary Cancer Syndrome. Identifiers: Orphanet 140162, MedGen C0027672, MeSH D009386, MONDO:0015356.
Fanconi anemia complementation group J. Also called: BRIP1-Related Fanconi Anemia. Identifiers: Orphanet 84, MedGen C1836860, MONDO:0012187, OMIM 609054.
Familial cancer of breast. Also called: BREAST CANCER, FAMILIAL; hereditary breast carcinoma; Hereditary breast cancer. Identifiers: Orphanet 227535, MedGen C0346153, MONDO:0016419, OMIM 114480. Disease mechanism: loss of function.

Submissions (4):

Labcorp Genetics (formerly Invitae), Labcorp
Classification: Pathogenic for Familial cancer of breast; Fanconi anemia complementation group J. Last evaluated: 2025-12-02. Review status: criteria provided, single submitter. Criteria: Invitae Variant Classification Sherloc (09022015). Collection method: clinical testing. Allele origin: germline.
Comment: This sequence change creates a premature translational stop signal (p.Tyr800Ilefs*2) in the BRIP1 gene. It is expected to result in an absent or disrupted protein product. Loss-of-function variants in BRIP1 are known to be pathogenic (PMID: 16116423, 17033622, 21964575). This variant is not present in population databases (gnomAD no frequency). This variant has not been reported in the literature in individuals affected with BRIP1-related conditions. For these reasons, this variant has been classified as Pathogenic.

Ambry Genetics
Classification: Pathogenic for Hereditary cancer-predisposing syndrome. Last evaluated: 2025-10-30. Review status: criteria provided, single submitter. Criteria: Ambry Variant Classification Scheme 2023. Collection method: clinical testing. Allele origin: germline.
Comment: The c.2398_2400delTACinsATTTG pathogenic mutation, located in coding exon 16 of the BRIP1 gene, results from the deletion of 3 nucleotides and insertion of 5 nucleotides causing a translational frameshift with a predicted alternate stop codon (p.Y800Ifs*2). This variant is considered to be rare based on population cohorts in the Genome Aggregation Database (gnomAD). This alteration is expected to result in loss of function by premature protein truncation or nonsense-mediated mRNA decay. As such, this alteration is interpreted as a disease-causing mutation.

Baylor Genetics
Classification: Likely pathogenic for Familial cancer of breast. Last evaluated: 2023-10-05. Review status: criteria provided, single submitter. Criteria: ACMG Guidelines, 2015. Collection method: clinical testing. Allele origin: unknown.

Myriad Genetics, Inc.
Classification: Pathogenic for Familial cancer of breast. Last evaluated: 2023-04-13. Review status: criteria provided, single submitter. Criteria: Myriad Autosomal Dominant, Autosomal Recessive and X-Linked Classification Criteria (2023). Collection method: clinical testing. Allele origin: unknown.
Comment: This variant is considered pathogenic. This variant creates a frameshift predicted to result in premature protein truncation.

Literature cited by the submitters: PubMed 16116423 (cited by Labcorp Genetics (formerly Invitae), Labcorp); PubMed 17033622 (cited by Labcorp Genetics (formerly Invitae), Labcorp); PubMed 21964575 (cited by Labcorp Genetics (formerly Invitae), Labcorp).